The following is an entry in ClinVar:

NM_000179.3(MSH6):c.2414T>C (p.Ile805Thr)

Gene: MSH6 (mutS homolog 6; plus strand). Cytogenetic location: 2p16.3.
Variant type: single nucleotide variant.
Coding change: c.2414T>C on transcript NM_000179.3 (MANE Select); coding-DNA position 2414, T replaced by C.
Protein change: p.Ile805Thr; replaces isoleucine 805 with threonine.
Molecular consequence: missense variant.
Genome position (GRCh38, 1-based): chr2:47,800,397, T>C. VCF-style: chr2-47800397-T-C. GRCh37 (hg19) VCF-style: chr2-48027536-T-C.
Other names: c.2024T>C, p.Ile675Thr (NM_001281492.2); c.1508T>C, p.Ile503Thr (NM_001281493.2, NM_001281494.2); short protein forms I503T, I675T, I805T.
Identifiers: ClinVar variation 1038121 (VCV001038121.13), dbSNP rs1572727090, ClinGen allele CA346753995.

ClinVar aggregate classification (germline): Uncertain significance. Review status: criteria provided, multiple submitters, no conflicts (2 of 4 stars). 2 submissions from 2 submitters: Uncertain significance (2). Last evaluated 2025-09-14.

Conditions:
Hereditary nonpolyposis colorectal neoplasms. Identifiers: MedGen C0009405, MeSH D003123.
Hereditary cancer-predisposing syndrome. Also called: Neoplastic Syndromes, Hereditary; Hereditary Cancer Syndrome; Tumor predisposition; Hereditary neoplastic syndrome. Identifiers: Orphanet 140162, MedGen C0027672, MeSH D009386, MONDO:0015356.

Submissions (2):

Labcorp Genetics (formerly Invitae), Labcorp
Classification: Uncertain significance for Hereditary nonpolyposis colorectal neoplasms. Last evaluated: 2025-09-14. Review status: criteria provided, single submitter. Criteria: Invitae Variant Classification Sherloc (09022015). Collection method: clinical testing. Allele origin: germline.
Comment: This sequence change replaces isoleucine, which is neutral and non-polar, with threonine, which is neutral and polar, at codon 805 of the MSH6 protein (p.Ile805Thr). This variant is not present in population databases (gnomAD no frequency). This variant has not been reported in the literature in individuals affected with MSH6-related conditions. ClinVar contains an entry for this variant (Variation ID: 1038121). Invitae Evidence Modeling of protein sequence and biophysical properties (such as structural, functional, and spatial information, amino acid conservation, physicochemical variation, residue mobility, and thermodynamic stability) indicates that this missense variant is not expected to disrupt MSH6 protein function with a negative predictive value of 95%. In summary, the available evidence is currently insufficient to determine the role of this variant in disease. Therefore, it has been classified as a Variant of Uncertain Significance.

Ambry Genetics
Classification: Uncertain significance for Hereditary cancer-predisposing syndrome. Last evaluated: 2019-07-24. Review status: criteria provided, single submitter. Criteria: Ambry Variant Classification Scheme 2023. Collection method: clinical testing. Allele origin: germline.
Comment: The p.I805T variant (also known as c.2414T>C), located in coding exon 4 of the MSH6 gene, results from a T to C substitution at nucleotide position 2414. The isoleucine at codon 805 is replaced by threonine, an amino acid with similar properties. This amino acid position is poorly conserved in available vertebrate species. In addition, this alteration is predicted to be tolerated by in silico analysis. Since supporting evidence is limited at this time, the clinical significance of this alteration remains unclear.